The following is an entry in ClinVar:

NM_001372066.1(TFAP2A):c.717G>A (p.Arg239=)

Genes: TFAP2A (transcription factor AP-2 alpha; minus strand), TFAP2A-AS2 (TFAP2A antisense RNA 2; plus strand), LOC121740638 (BRD4-independent group 4 enhancer GRCh37_chr6:10403277-10404476; plus strand). Cytogenetic location: 6p24.3.
Variant type: single nucleotide variant.
Coding change: c.717G>A on transcript NM_001372066.1 (MANE Select); coding-DNA position 717, G replaced by A.
Protein change: p.Arg239=; no amino-acid change (arginine 239 retained).
Molecular consequence: synonymous variant. On other transcripts: non-coding transcript variant (1).
Genome position (GRCh38, 1-based): chr6:10,404,561, C>T on the plus strand (G>A on the coding strand, the complement: TFAP2A is on the minus strand). VCF-style: chr6-10404561-C-T. GRCh37 (hg19) VCF-style: chr6-10404794-C-T.
Other names: NM_003220.2:c.711G>A; c.693G>A, p.Arg231= (NM_001032280.3); c.699G>A, p.Arg233= (NM_001042425.3).
Identifiers: ClinVar variation 2914545 (VCV002914545.6), dbSNP rs554807432, ClinGen allele CA3631267.
Genomic context (GRCh38, chr6:10,404,561, plus strand): 5'-GCCTCACCTCCGGAGCACTCCGCCCAGCAGCGACGCGTTGAGACACTCGGGTGGTGAGAG[C>T]CGCCGCTGCACTTCCGCCACCGTGACCTTGTACTTCGAGGTGGAGCTGAGGAGCGAGAGG-3'
Protein context (NP_001358995.1, residues 229-249): YKVTVAEVQR[Arg239=]LSPPECLNAS

ClinVar aggregate classification (germline): Likely benign. Review status: criteria provided, multiple submitters, no conflicts (2 of 4 stars). 3 submissions from 3 submitters: Likely benign (2). 1 of the submissions does not count toward it. Last evaluated 2023-06-20.

Conditions:
TFAP2A-related disorder. Also called: TFAP2A-related condition.

Allele frequency attached by ClinVar (database versions not stated): ExAC 0.00001; gnomAD 0.00001; 1000 Genomes Project 30x 0.00016; 1000 Genomes Project 0.00020.
gnomAD v4.1: 10 of 1,613,846 alleles (0.00062%); highest among the groups gnomAD compares: Middle Eastern, 0.016%; no homozygotes.

Submissions (3):

Labcorp Genetics (formerly Invitae), Labcorp
Classification: Likely benign. Last evaluated: 2023-06-20. Review status: criteria provided, single submitter. Criteria: Invitae Variant Classification Sherloc (09022015). Collection method: clinical testing. Allele origin: germline.

Blueprint Genetics
Classification: Likely benign. Last evaluated: 2021-08-15. Review status: criteria provided, single submitter. Criteria: ACMG Guidelines, 2015. Collection method: clinical testing. Allele origin: germline.

PreventionGenetics, part of Exact Sciences
Classification: Likely benign for TFAP2A-related condition. Last evaluated: 2019-03-12. Review status: no assertion criteria provided. Collection method: clinical testing. Allele origin: germline. Not counted in ClinVar's aggregate classification.
Comment: This variant is classified as likely benign based on ACMG/AMP sequence variant interpretation guidelines (Richards et al. 2015 PMID: 25741868, with internal and published modifications).